The following is an entry in ClinVar:

NM_000059.4(BRCA2):c.1733del (p.Gly578fs)

Gene: BRCA2 (BRCA2 DNA repair associated; plus strand). Cytogenetic location: 13q13.1.
Variant type: Deletion.
Coding change: c.1733del on transcript NM_000059.4 (MANE Select); coding-DNA position 1733, one base deleted (G; older notation c.1733delG).
Protein change: p.Gly578fs; shifts the reading frame from glycine 578.
Molecular consequence: frameshift variant.
Genome position (GRCh38, 1-based): chr13:32,333,211, G deleted; the last of 2 consecutive G bases (chr13:32,333,210-32,333,211); deleting either gives the same sequence. VCF-style (leftmost placement, unchanged base first): chr13-32333209-AG-A. GRCh37 (hg19) VCF-style: chr13-32907346-AG-A.
Other names: c.1733delG (NM_000059.3); short protein forms G578fs.
Identifiers: ClinVar variation 252442 (VCV000252442.25), dbSNP rs879255326, ClinGen allele CA10585930.

ClinVar aggregate classification (germline): Pathogenic. Review status: reviewed by expert panel (3 of 4 stars). 9 submissions from 9 submitters: Pathogenic (1). 8 of the submissions do not count toward it. Last evaluated 2017-12-15.

Conditions:
Hereditary cancer-predisposing syndrome. Also called: Tumor predisposition; Hereditary Cancer Syndrome; Neoplastic Syndromes, Hereditary; Hereditary neoplastic syndrome. Identifiers: Orphanet 140162, MedGen C0027672, MeSH D009386, MONDO:0015356.
Hereditary breast ovarian cancer syndrome. Also called: Hereditary breast and ovarian cancer; Breast and ovarian cancer; Hereditary breast and/or ovarian cancer syndrome; BRCA1- and BRCA2-Associated Hereditary Breast and Ovarian Cancer; Hereditary breast and ovarian cancer syndrome; Hereditary breast and ovarian cancer syndrome (HBOC). Identifiers: Orphanet 145, MedGen C0677776, MeSH D061325, MONDO:0003582. Disease mechanism: loss of function.
Breast-ovarian cancer, familial, susceptibility to, 2 (BROVCA2). Also called: BRCA2 Hereditary Breast and Ovarian Cancer. Identifiers: Orphanet 145, MedGen C2675520, MONDO:0012933, OMIM 612555. Disease mechanism: loss of function.
Familial cancer of breast. Also called: BREAST CANCER, FAMILIAL; Hereditary breast cancer; hereditary breast carcinoma. Identifiers: Orphanet 227535, MedGen C0346153, MONDO:0016419, OMIM 114480. Disease mechanism: loss of function.

Submissions (9):

Evidence-based Network for the Interpretation of Germline Mutant Alleles (ENIGMA)
Classification: Pathogenic for Breast-ovarian cancer, familial, susceptibility to, 2. Last evaluated: 2017-12-15. Review status: reviewed by expert panel. Criteria: ENIGMA BRCA1/2 Classification Criteria (2017-06-29). Collection method: curation. Allele origin: germline. Study: ENIGMA.
Comment: Variant allele predicted to encode a truncated non-functional protein.

Ambry Genetics
Classification: Pathogenic for Hereditary cancer-predisposing syndrome. Last evaluated: 2025-10-22. Review status: criteria provided, single submitter. Criteria: Ambry Variant Classification Scheme 2023. Collection method: clinical testing. Allele origin: germline. Not counted in ClinVar's aggregate classification.
Comment: The c.1733delG pathogenic mutation, located in coding exon 9 of the BRCA2 gene, results from a deletion of one nucleotide at nucleotide position 1733, causing a translational frameshift with a predicted alternate stop codon (p.G578Vfs*2). This variant is considered to be rare based on population cohorts in the Genome Aggregation Database (gnomAD). This alteration is expected to result in loss of function by premature protein truncation or nonsense-mediated mRNA decay. As such, this alteration is interpreted as a disease-causing mutation.

Labcorp Genetics (formerly Invitae), Labcorp
Classification: Pathogenic for Hereditary breast ovarian cancer syndrome. Last evaluated: 2024-04-10. Review status: criteria provided, single submitter. Criteria: Invitae Variant Classification Sherloc (09022015). Collection method: clinical testing. Allele origin: germline. Not counted in ClinVar's aggregate classification.
Comment: This sequence change creates a premature translational stop signal (p.Gly578Valfs*2) in the BRCA2 gene. It is expected to result in an absent or disrupted protein product. Loss-of-function variants in BRCA2 are known to be pathogenic (PMID: 20104584). This variant is not present in population databases (gnomAD no frequency). This variant has not been reported in the literature in individuals affected with BRCA2-related conditions. ClinVar contains an entry for this variant (Variation ID: 252442). For these reasons, this variant has been classified as Pathogenic.

Baylor Genetics
Classification: Likely pathogenic for Familial cancer of breast. Last evaluated: 2024-02-21. Review status: criteria provided, single submitter. Criteria: ACMG Guidelines, 2015. Collection method: clinical testing. Allele origin: unknown. Not counted in ClinVar's aggregate classification.

Color Diagnostics, LLC DBA Color Health
Classification: Pathogenic for Hereditary cancer-predisposing syndrome. Last evaluated: 2021-11-22. Review status: criteria provided, single submitter. Criteria: ACMG Guidelines, 2015. Collection method: clinical testing. Allele origin: germline. Not counted in ClinVar's aggregate classification.
Comment: This variant deletes 1 nucleotide in exon 10 of the BRCA2 gene, creating a frameshift and premature translation stop signal. This variant is expected to result in an absent or non-functional protein product. To our knowledge, this variant has not been reported in individuals affected with hereditary cancer in the literature. This variant has not been identified in the general population by the Genome Aggregation Database (gnomAD). Loss of BRCA2 function is a known mechanism of disease. Based on the available evidence, this variant is classified as Pathogenic.

GeneKor MSA
Classification: Pathogenic for Hereditary Breast Carcinoma. Last evaluated: 2020-01-01. Review status: criteria provided, single submitter. Criteria: ACMG Guidelines, 2015. Collection method: clinical testing. Allele origin: germline. Affected: yes. Not counted in ClinVar's aggregate classification.
Comment: This sequence change deletes one base from exon 10 of the BRCA2 mRNA (c.1733delG), It results in a frame-shift creating a new stop codon at amino acid residue 578, thus resulting in a truncated protein. Truncating variants in the BRCA2 gene are known to be pathogenic. The mutation database Clinvar contains entries for this variant (Variation ID:252442).

Quest Diagnostics Nichols Institute San Juan Capistrano
Classification: Pathogenic. Last evaluated: 2019-01-30. Review status: criteria provided, single submitter. Criteria: Quest Diagnostics criteria. Collection method: clinical testing. Allele origin: unknown. Not counted in ClinVar's aggregate classification.
Comment: This variant alters the translational reading frame of the BRCA2 mRNA and causes the premature termination of BRCA2 protein synthesis. To the best of our knowledge, this variant has not been reported in the published literature. Based on the available information, this variant is classified as pathogenic.

Women's Health and Genetics/Laboratory Corporation of America, LabCorp
Classification: Likely pathogenic for Hereditary breast and ovarian cancer syndrome. Last evaluated: 2018-12-10. Review status: criteria provided, single submitter. Criteria: LabCorp Variant Classification Summary - May 2015. Collection method: clinical testing. Allele origin: germline. Not counted in ClinVar's aggregate classification.
Comment: Variant summary: The variant, BRCA2 c.1733delG (p.Gly578ValfsX2) results in a premature termination codon, predicted to cause a truncation of the encoded protein or absence of the protein due to nonsense mediated decay, which are commonly known mechanisms for disease. Truncations downstream of this position have been classified as pathogenic by our laboratory (eg. c.1736T>G (p.Leu579X), c.1796_1800delCTTAT (p.Ser599X), c.2254_2257delGACT (p.Asp752fsX19)). The variant was absent in 245778 control chromosomes (gnomAD). To our knowledge, no occurrence of c.1733delG in individuals affected with Hereditary Breast and Ovarian Cancer and no experimental evidence demonstrating its impact on protein function have been reported. Four clinical diagnostic laboratories have submitted clinical-significance assessments for this variant to ClinVar after 2014 without evidence for independent evaluation. All laboratories classified the variant as pathogenic. Based on the evidence outlined above, the variant was classified as likely pathogenic.

GeneDx
Classification: Pathogenic. Last evaluated: 2018-02-23. Review status: criteria provided, single submitter. Criteria: GeneDx Variant Classification (06012015). Collection method: clinical testing. Allele origin: germline. Affected: yes. Not counted in ClinVar's aggregate classification.
Comment: This deletion of one nucleotide in BRCA2 is denoted c.1733delG at the cDNA level and p.Gly578ValfsX2 (G578VfsX2) at the protein level. Using alternate nomenclature, this variant would be defined as BRCA2 1961delG. The normal sequence, with the base that is deleted in brackets, is GCAG[delG]TTTA. The deletion causes a frameshift which changes a Glycine to a Valine at codon 578, and creates a premature stop codon at position 2 of the new reading frame. Although this variant has not, to our knowledge, been reported in the literature, it is predicted to cause loss of normal protein function through either protein truncation or nonsense-mediated mRNA decay. We consider this variant to be pathogenic.

Literature cited by the submitters: PubMed 20104584 (cited by Labcorp Genetics (formerly Invitae), Labcorp).